The following is an entry in ClinVar:

NM_006618.5(KDM5B):c.954_957del (p.Asn319fs)

Gene: KDM5B (lysine demethylase 5B; minus strand). Cytogenetic location: 1q32.1.
Variant type: Deletion.
Coding change: c.954_957del on transcript NM_006618.5 (MANE Select); coding-DNA positions 954 to 957, 4 bases deleted (CAAT; older notation c.954_957delCAAT).
Protein change: p.Asn319fs; shifts the reading frame from asparagine 319.
Molecular consequence: frameshift variant.
Genome position (GRCh38, 1-based): chr1:202,760,535-202,760,538, ATTG deleted on the plus strand (CAAT on the coding strand, the reverse complement: KDM5B is on the minus strand). VCF-style (leftmost placement, unchanged base first): chr1-202760534-CATTG-C. GRCh37 (hg19) VCF-style: chr1-202729662-CATTG-C.
Other names: c.954_957delCAAT (NM_006618.5); c.1062_1065del, p.Asn355fs (NM_001314042.2); c.819_822del, p.Asn274fs (NM_001347591.2); c.939_942del, p.Asn314fs (NM_001399817.1); short protein forms N274fs, N314fs, N319fs, N355fs.
Identifiers: ClinVar variation 3366608 (VCV003366608.1).

ClinVar aggregate classification (germline): Pathogenic (1 of 4 stars; one submission).

Conditions:
Intellectual developmental disorder, autosomal recessive 65. Also called: Intellectual disability, autosomal recessive 65; MENTAL RETARDATION, AUTOSOMAL RECESSIVE 65. Identifiers: MedGen C4748219, MONDO:0020850, OMIM 618109.

Submission:

Women's Health and Genetics/Laboratory Corporation of America, LabCorp
Classification: Pathogenic for Intellectual developmental disorder, autosomal recessive 65. Last evaluated: 2024-08-26. Review status: criteria provided, single submitter. Criteria: LabCorp Variant Classification Summary - May 2015. Collection method: clinical testing. Allele origin: germline.
Comment: Variant summary: KDM5B c.954_957delCAAT (p.Asn319MetfsX20) results in a premature termination codon, predicted to cause a truncation of the encoded protein or absence of the protein due to nonsense mediated decay, which are commonly known mechanisms for disease. The variant was absent in 250322 control chromosomes. To our knowledge, no occurrence of c.954_957delCAAT in individuals affected with Intellectual Disability, Autosomal Recessive 65 and no experimental evidence demonstrating its impact on protein function have been reported. No submitters have cited clinical-significance assessments for this variant to ClinVar. Based on the evidence outlined above, the variant was classified as pathogenic.